The following is an entry in ClinVar:

NM_000390.4(CHM):c.182A>C (p.Glu61Ala)

Gene: CHM (CHM Rab escort protein; minus strand). Cytogenetic location: Xq21.2.
Variant type: single nucleotide variant.
Coding change: c.182A>C on transcript NM_000390.4 (MANE Select); coding-DNA position 182, A replaced by C.
Protein change: p.Glu61Ala; replaces glutamic acid 61 with alanine.
Molecular consequence: missense variant. On other transcripts: 5 prime UTR variant (4).
Genome position (GRCh38, 1-based): chrX:85,981,744, T>G on the plus strand (A>C on the coding strand, the complement: CHM is on the minus strand). VCF-style: chrX-85981744-T-G. GRCh37 (hg19) VCF-style: chrX-85236748-T-G.
Other names: c.182A>C, p.Glu61Ala (NM_001145414.4); c.-263A>C (NM_001320959.1, NM_001362517.1); c.-259A>C (NM_001362518.2, NM_001362519.1); short protein forms E61A.
Identifiers: ClinVar variation 1039645 (VCV001039645.6), dbSNP rs372819339, ClinGen allele CA10465631.

ClinVar aggregate classification (germline): Uncertain significance. Review status: criteria provided, multiple submitters, no conflicts (2 of 4 stars). 3 submissions from 3 submitters: Uncertain significance (2). 1 of the submissions does not count toward it. Last evaluated 2024-09-21.

Conditions:
Choroideremia. Also called: Chorioretinal scalloped atrophy. Identifiers: Orphanet 180, MedGen C0008525, MONDO:0010557, OMIM 303100, HP:0001139.

Allele frequency attached by ClinVar (database versions not stated): gnomAD exomes 0.00001 and 0.00003; ExAC 0.00002; TOPMed 0.00002; gnomAD 0.00004; ESP Exome Variant Server 0.00009.
gnomAD v4.1: 38 of 1,187,370 alleles (0.0032%); highest among the groups gnomAD compares: Non-Finnish European, 0.0041%; no homozygotes.

Submissions (3):

Labcorp Genetics (formerly Invitae), Labcorp
Classification: Uncertain significance. Last evaluated: 2024-09-21. Review status: criteria provided, single submitter. Criteria: Invitae Variant Classification Sherloc (09022015). Collection method: clinical testing. Allele origin: germline.
Comment: This sequence change replaces glutamic acid, which is acidic and polar, with alanine, which is neutral and non-polar, at codon 61 of the CHM protein (p.Glu61Ala). This variant is present in population databases (rs372819339, gnomAD 0.009%). This variant has not been reported in the literature in individuals affected with CHM-related conditions. ClinVar contains an entry for this variant (Variation ID: 1039645). Invitae Evidence Modeling of protein sequence and biophysical properties (such as structural, functional, and spatial information, amino acid conservation, physicochemical variation, residue mobility, and thermodynamic stability) indicates that this missense variant is not expected to disrupt CHM protein function with a negative predictive value of 80%. In summary, the available evidence is currently insufficient to determine the role of this variant in disease. Therefore, it has been classified as a Variant of Uncertain Significance.

Blueprint Genetics
Classification: Uncertain significance. Last evaluated: 2022-03-27. Review status: criteria provided, single submitter. Criteria: ACMG Guidelines, 2015. Collection method: clinical testing. Allele origin: germline.

Natera, Inc.
Classification: Uncertain significance for Choroideremia. Last evaluated: 2020-05-18. Review status: no assertion criteria provided. Collection method: clinical testing. Allele origin: germline. Not counted in ClinVar's aggregate classification.